The following is an entry in ClinVar:

NM_002291.3(LAMB1):c.4393-5T>C

Gene: LAMB1 (laminin subunit beta 1; minus strand). Cytogenetic location: 7q31.1.
Variant type: single nucleotide variant.
Coding change: c.4393-5T>C on transcript NM_002291.3 (MANE Select); 5 bases into the intron before coding-DNA position 4393, T replaced by C.
Molecular consequence: intron variant.
Genome position (GRCh38, 1-based): chr7:107,931,505, A>G on the plus strand (T>C on the coding strand, the complement: LAMB1 is on the minus strand). VCF-style: chr7-107931505-A-G. GRCh37 (hg19) VCF-style: chr7-107571950-A-G.
Other names: c.4393-5T>C (NM_002291.2).
Identifiers: ClinVar variation 1951592 (VCV001951592.6), dbSNP rs370713284, ClinGen allele CA164268684.

ClinVar aggregate classification (germline): Conflicting classifications of pathogenicity. Review status: criteria provided, conflicting classifications (1 of 4 stars). 2 submissions from 2 submitters: Uncertain significance (1); Likely benign (1). Last evaluated 2026-04-23.

Conditions:
Inborn genetic diseases. Identifiers: MedGen C0950123, MeSH D030342.

Allele frequency attached by ClinVar (database versions not stated): TOPMed below 0.00001; gnomAD exomes 0.00005; gnomAD 0.00001; ESP Exome Variant Server 0.00008.
gnomAD v4.1: 69 of 1,611,662 alleles (0.0043%); highest among the groups gnomAD compares: Non-Finnish European, 0.0057%; no homozygotes.

Submissions (2):

Ambry Genetics
Classification: Uncertain significance for Inborn genetic diseases. Last evaluated: 2026-04-23. Review status: criteria provided, single submitter. Criteria: Ambry Variant Classification Scheme 2023. Collection method: clinical testing. Allele origin: germline.
Comment: The c.4393-5T>C intronic alteration consists of a T to C substitution 5 nucleotides before coding exon 28 in the LAMB1 gene. Based on data from gnomAD, the C allele has an overall frequency of 0.001% (3/249834) total alleles studied. The highest observed frequency was 0.003% (1/30226) of South Asian alleles. Based on insufficient or conflicting evidence, the clinical significance of this alteration remains unclear.

Labcorp Genetics (formerly Invitae), Labcorp
Classification: Likely benign. Last evaluated: 2023-10-03. Review status: criteria provided, single submitter. Criteria: Invitae Variant Classification Sherloc (09022015). Collection method: clinical testing. Allele origin: germline.